The following is an entry in ClinVar:

NM_000256.3(MYBPC3):c.3825A>C (p.Ter1275Cys)

Gene: MYBPC3 (myosin binding protein C3; minus strand). Cytogenetic location: 11p11.2.
Variant type: single nucleotide variant.
Coding change: c.3825A>C on transcript NM_000256.3 (MANE Select); coding-DNA position 3825, A replaced by C.
Protein change: p.Ter1275Cys.
Molecular consequence: stop lost.
Genome position (GRCh38, 1-based): chr11:47,331,871, T>G on the plus strand (A>C on the coding strand, the complement: MYBPC3 is on the minus strand). VCF-style: chr11-47331871-T-G. GRCh37 (hg19) VCF-style: chr11-47353422-T-G.
Identifiers: ClinVar variation 4693781 (VCV004693781.1).

ClinVar aggregate classification (germline): Uncertain significance (1 of 4 stars; one submission).

Conditions:
Hypertrophic cardiomyopathy. Also called: HYPERTROPHIC MYOCARDIOPATHY. Identifiers: Orphanet 217569, MedGen C0007194, MeSH D002312, MONDO:0005045, HP:0001639.

Submission:

Labcorp Genetics (formerly Invitae), Labcorp
Classification: Uncertain significance for Hypertrophic cardiomyopathy. Last evaluated: 2025-04-02. Review status: criteria provided, single submitter. Criteria: Invitae Variant Classification Sherloc (09022015). Collection method: clinical testing. Allele origin: germline.
Comment: This sequence change disrupts the translational stop signal of the MYBPC3 mRNA. It is expected to extend the length of the MYBPC3 protein by 76 additional amino acid residues. This variant is not present in population databases (gnomAD no frequency). This variant has not been reported in the literature in individuals affected with MYBPC3-related conditions. Experimental studies and prediction algorithms are not available or were not evaluated, and the functional significance of this variant is currently unknown. In summary, the available evidence is currently insufficient to determine the role of this variant in disease. Therefore, it has been classified as a Variant of Uncertain Significance.